The following is an entry in ClinVar:

NC_000022.10:g.(?_17565982)_(18613903_?)del

Genes: ADA2 (adenosine deaminase 2; minus strand), ATP6V1E1 (ATPase H+ transporting V1 subunit E1; minus strand), BCL2L13 (BCL2 like 13; plus strand), BID (BH3 interacting domain death agonist; minus strand), CECR2 (CECR2 histone acetyl-lysine reader; plus strand) and 8 more. Cytogenetic location: 22q11.1-11.21.
Variant type: Deletion.
Identifiers: ClinVar variation 2424215 (VCV002424215.4).

ClinVar aggregate classification (germline): Uncertain significance (1 of 4 stars; one submission).

Submission:

Labcorp Genetics (formerly Invitae), Labcorp
Classification: Uncertain significance. Last evaluated: 2022-08-16. Review status: criteria provided, single submitter. Criteria: Invitae Variant Classification Sherloc (09022015). Collection method: clinical testing. Allele origin: germline.
Comment: In summary, the available evidence is currently insufficient to determine the role of this variant in disease. Therefore, it has been classified as a Variant of Uncertain Significance. This variant has not been reported in the literature in individuals affected with ATP6V1E1-related conditions. A gross deletion of the genomic region encompassing the full coding sequence of the ATP6V1E1 gene has been identified. The current clinical and genetic evidence is not sufficient to establish whether loss-of-function variants in ATP6V1E1 cause disease. The boundaries of this event are unknown as they extend beyond the assayed region for this gene and therefore may encompass additional genes.